The following is an entry in ClinVar:

ClinVar aggregate classification (germline): Likely pathogenic (1 of 4 stars; one submission).

Conditions:
Tay-Sachs disease (TSD). Also called: HEXA DEFICIENCY; HEXA Disorders; GM2 gangliosidosis, type 1; Hexosaminidase alpha-subunit deficiency (variant B); Sphingolipidosis, Tay-Sachs; Hexosaminidase A Deficiency. Identifiers: Orphanet 845, MedGen C0039373, MONDO:0010100, OMIM 272800.

Submission:

Natera, Inc.
Classification: Likely pathogenic for Tay-Sachs disease. Last evaluated: 2025-01-27. Review status: criteria provided, single submitter. Criteria: Natera Variant Classification Schema (03/2026). Collection method: clinical testing. Allele origin: germline.
Comment: The c.1559delG variant in HEXA is a frameshift variant predicted to elongate the protein beyond the termination codon. This variant is expected to result in nonsense mediated decay, truncation, or a dysfunctional protein product. This variant is rare in the general population with a frequency below the threshold expected for the associated phenotype(s). Given the available evidence, this variant is classified as Likely Pathogenic.

NM_000520.6(HEXA):c.1559del (p.Gly520fs)

Gene: HEXA (hexosaminidase subunit alpha; minus strand). Cytogenetic location: 15q23.
Variant type: Deletion.
Coding change: c.1559del on transcript NM_000520.6 (MANE Select); coding-DNA position 1559, one base deleted (G; older notation c.1559delG).
Protein change: p.Gly520fs; shifts the reading frame from glycine 520.
Molecular consequence: frameshift variant.
Genome position (GRCh38, 1-based): chr15:72,344,108, C deleted on the plus strand (G on the coding strand, the reverse complement: HEXA is on the minus strand); the first of 2 consecutive C bases (chr15:72,344,108-72,344,109); deleting either gives the same sequence. VCF-style (leftmost placement, unchanged base first): chr15-72344107-GC-G. GRCh37 (hg19) VCF-style: chr15-72636448-GC-G.
Other names: c.1592del, p.Gly531fs (NM_001318825.2); short protein forms G520fs, G531fs.
Identifiers: ClinVar variation 4818724 (VCV004818724.1).